The following is an entry in ClinVar:

NM_000052.7(ATP7A):c.1090_1091del (p.Gln364fs)

Gene: ATP7A (ATPase copper transporting alpha; plus strand). Cytogenetic location: Xq21.1.
Variant type: Deletion.
Coding change: c.1090_1091del on transcript NM_000052.7 (MANE Select); coding-DNA positions 1090 to 1091, 2 bases deleted (CA; older notation c.1090_1091delCA).
Protein change: p.Gln364fs; shifts the reading frame from glutamine 364.
Molecular consequence: frameshift variant.
Genome position (GRCh38, 1-based): chrX:77,989,712-77,989,713, CA deleted. VCF-style (leftmost placement, unchanged base first): chrX-77989711-TCA-T. GRCh37 (hg19) VCF-style: chrX-77245207-TCA-T.
Other names: c.1090_1091del, p.Gln364fs (NM_001282224.2); short protein forms Q364fs.
Identifiers: ClinVar variation 5011296 (VCV005011296.1).

ClinVar aggregate classification (germline): Pathogenic (1 of 4 stars; one submission).

Conditions:
Menkes kinky-hair syndrome (MNK). Also called: Menkes Disease; Classic Menkes Disease; Copper transport disease. Identifiers: Orphanet 565, MedGen C0022716, MONDO:0010651, OMIM 309400.

Submission:

Myriad Genetics, Inc.
Classification: Pathogenic for Menkes kinky-hair syndrome. Last evaluated: 2023-08-09. Review status: criteria provided, single submitter. Criteria: Myriad Autosomal Dominant, Autosomal Recessive and X-Linked Classification Criteria (2023). Collection method: clinical testing. Allele origin: unknown.
Comment: NM_000052.5(ATP7A):c.1090_1091delCA(Q364Efs*8) is expected to be pathogenic in the context of ATP7A-related disorders. This variant is predicted to lead to an abnormal or absent protein product due to the creation of a premature termination codon in ATP7A, a gene where loss-of-function variants are known to be pathogenic. Please note: this variant was assessed in the context of healthy population screening.